The following is an entry in ClinVar:

ClinVar aggregate classification (germline): Uncertain significance (1 of 4 stars; one submission).

gnomAD v4.1: 7 of 1,613,812 alleles (0.00043%); highest among the groups gnomAD compares: East Asian, 0.013%; no homozygotes.

Submission:

Labcorp Genetics (formerly Invitae), Labcorp
Classification: Uncertain significance. Last evaluated: 2024-09-01. Review status: criteria provided, single submitter. Criteria: Invitae Variant Classification Sherloc (09022015). Collection method: clinical testing. Allele origin: germline.
Comment: This sequence change replaces aspartic acid, which is acidic and polar, with glutamic acid, which is acidic and polar, at codon 303 of the ZCCHC8 protein (p.Asp303Glu). This variant is not present in population databases (gnomAD no frequency). This variant has not been reported in the literature in individuals affected with ZCCHC8-related conditions. Invitae Evidence Modeling of protein sequence and biophysical properties (such as structural, functional, and spatial information, amino acid conservation, physicochemical variation, residue mobility, and thermodynamic stability) indicates that this missense variant is not expected to disrupt ZCCHC8 protein function with a negative predictive value of 80%. In summary, the available evidence is currently insufficient to determine the role of this variant in disease. Therefore, it has been classified as a Variant of Uncertain Significance.

NM_017612.5(ZCCHC8):c.909C>G (p.Asp303Glu)

Gene: ZCCHC8 (zinc finger CCHC-type containing 8; minus strand). Cytogenetic location: 12q24.31.
Variant type: single nucleotide variant.
Coding change: c.909C>G on transcript NM_017612.5 (MANE Select); coding-DNA position 909, C replaced by G.
Protein change: p.Asp303Glu; replaces aspartic acid 303 with glutamic acid.
Molecular consequence: missense variant.
Genome position (GRCh38, 1-based): chr12:122,481,631, G>C on the plus strand (C>G on the coding strand, the complement: ZCCHC8 is on the minus strand). VCF-style: chr12-122481631-G-C. GRCh37 (hg19) VCF-style: chr12-122966178-G-C.
Other names: c.678C>G, p.Asp226Glu (NM_001350935.2); c.612C>G, p.Asp204Glu (NM_001350936.2); c.195C>G, p.Asp65Glu (NM_001350937.2, NM_001350938.2); short protein forms D226E, D204E, D303E, D65E.
Identifiers: ClinVar variation 3663522 (VCV003663522.2).
Genomic context (GRCh38, chr12:122,481,631, plus strand): 5'-GAGCCACCCTGGTGGGTACCCTAGCTGGCGCATCCGATAGATAAAAGGTGGAAGACTCTT[G>C]TCTGTCACACCTAGTGCATCTTGAAGTTCCTCACTAAGTAAAAATAAAGGAGGAAGAAAA-3'
Protein context (NP_060082.2, residues 293-313): EELQDALGVT[Asp303Glu]KSLPPFIYRM